The following is an entry in ClinVar:

NM_001199107.2(TBC1D24):c.1577G>A (p.Arg526His)

Gene: TBC1D24 (TBC1 domain family member 24; plus strand). Cytogenetic location: 16p13.3.
Variant type: single nucleotide variant.
Coding change: c.1577G>A on transcript NM_001199107.2 (MANE Select); coding-DNA position 1577, G replaced by A.
Protein change: p.Arg526His; replaces arginine 526 with histidine.
Molecular consequence: missense variant.
Genome position (GRCh38, 1-based): chr16:2,500,855, G>A. VCF-style: chr16-2500855-G-A. GRCh37 (hg19) VCF-style: chr16-2550856-G-A.
Other names: c.1559G>A, p.Arg520His (NM_020705.3); short protein forms R526H, R520H.
Identifiers: ClinVar variation 474305 (VCV000474305.17), dbSNP rs752301570, ClinGen allele CA7844350.

ClinVar aggregate classification (germline): Uncertain significance. Review status: criteria provided, multiple submitters, no conflicts (2 of 4 stars). 3 submissions from 3 submitters: Uncertain significance (3). Last evaluated 2025-10-01.

Conditions:
Developmental and epileptic encephalopathy, 1 (DEE1). Also called: X-linked infantile spasms; West's syndrome; Tonic spasms with clustering, arrest of psychomotor development and hypsarrhythmia on EEG; X-Linked Infantile Spasm Syndrome; OHTAHARA SYNDROME, X-LINKED; Epileptic encephalopathy, early infantile, 1. Identifiers: MedGen C3463992, MONDO:0010632, OMIM 308350. Disease mechanism: loss of function.
Autosomal dominant nonsyndromic hearing loss 65. Also called: Deafness, autosomal dominant 65; TBC1D24-Related Autosomal Dominant Nonsyndromic Hearing Loss (DFNA). Identifiers: Orphanet 90635, MedGen C3892048, MONDO:0014470, OMIM 616044.

Allele frequency attached by ClinVar (database versions not stated): ExAC 0.00004; gnomAD exomes below 0.00001.

Submissions (3):

Women's Health and Genetics/Laboratory Corporation of America, LabCorp
Classification: Uncertain significance. Last evaluated: 2025-10-01. Review status: criteria provided, single submitter. Criteria: LabCorp Variant Classification Summary - May 2015. Collection method: clinical testing. Allele origin: germline.
Comment: Variant summary: TBC1D24 c.1577G>A (p.Arg526His) results in a non-conservative amino acid change in the encoded protein sequence. Algorithms developed to predict the effect of missense changes on protein structure and function are either unavailable or do not agree on the potential impact of this missense change. The variant allele was found at a frequency of 4.1e-06 in 243024 control chromosomes. The available data on variant occurrences in the general population are insufficient to allow any conclusion about variant significance. To our knowledge, no occurrence of c.1577G>A in individuals affected with TBC1D24-related conditions and no experimental evidence demonstrating its impact on protein function have been reported. ClinVar contains an entry for this variant (Variation ID: 474305). Based on the evidence outlined above, the variant was classified as uncertain significance.

Labcorp Genetics (formerly Invitae), Labcorp
Classification: Uncertain significance for Developmental and epileptic encephalopathy, 1; Autosomal dominant nonsyndromic hearing loss 65. Last evaluated: 2023-12-18. Review status: criteria provided, single submitter. Criteria: Invitae Variant Classification Sherloc (09022015). Collection method: clinical testing. Allele origin: germline.
Comment: This sequence change replaces arginine, which is basic and polar, with histidine, which is basic and polar, at codon 526 of the TBC1D24 protein (p.Arg526His). The frequency data for this variant in the population databases is considered unreliable, as metrics indicate poor data quality at this position in the gnomAD database. This variant has not been reported in the literature in individuals affected with TBC1D24-related conditions. ClinVar contains an entry for this variant (Variation ID: 474305). Advanced modeling of protein sequence and biophysical properties (such as structural, functional, and spatial information, amino acid conservation, physicochemical variation, residue mobility, and thermodynamic stability) performed at Invitae indicates that this missense variant is not expected to disrupt TBC1D24 protein function with a negative predictive value of 80%. In summary, the available evidence is currently insufficient to determine the role of this variant in disease. Therefore, it has been classified as a Variant of Uncertain Significance.

GeneDx
Classification: Uncertain significance. Last evaluated: 2019-10-14. Review status: criteria provided, single submitter. Criteria: GeneDx Variant Classification Process June 2021. Collection method: clinical testing. Allele origin: germline. Affected: yes.
Comment: Not observed at a significant frequency in large population cohorts (Lek et al., 2016); Has not been previously published as pathogenic or benign to our knowledge